The following is an entry in ClinVar:

NC_000005.9:g.(?_82400739)_(82876253_?)del

Genes: VCAN (versican; plus strand), XRCC4 (X-ray repair cross complementing 4; plus strand). Cytogenetic location: 5q14.2-14.3.
Variant type: Deletion.
Identifiers: ClinVar variation 2425099 (VCV002425099.4).

ClinVar aggregate classification (germline): Pathogenic (1 of 4 stars; one submission).

Submission:

Labcorp Genetics (formerly Invitae), Labcorp
Classification: Pathogenic. Last evaluated: 2022-09-13. Review status: criteria provided, single submitter. Criteria: Invitae Variant Classification Sherloc (09022015). Collection method: clinical testing. Allele origin: germline.
Comment: For these reasons, this variant has been classified as Pathogenic. This variant has not been reported in the literature in individuals affected with VCAN-related conditions. A gross deletion of the genomic region encompassing the full coding sequence of the VCAN gene has been identified. Loss-of-function variants in VCAN are known to be pathogenic (PMID: 26720455). The boundaries of this event are unknown as they extend beyond the assayed region for this gene and therefore may encompass additional genes.

Literature cited by the submitters: PubMed 26720455.